The following is an entry in ClinVar:

ClinVar aggregate classification (germline): Uncertain significance (1 of 4 stars; one submission).

Conditions:
Gorlin syndrome. Also called: Basal cell nevus syndrome; Nevoid Basal Cell Carcinoma Syndrome. Identifiers: Orphanet 377, MedGen C0004779, MONDO:0007187.

Submission:

Labcorp Genetics (formerly Invitae), Labcorp
Classification: Uncertain significance for Gorlin syndrome. Last evaluated: 2022-12-27. Review status: criteria provided, single submitter. Criteria: Invitae Variant Classification Sherloc (09022015). Collection method: clinical testing. Allele origin: germline.
Comment: This sequence change replaces proline, which is neutral and non-polar, with valine, which is neutral and non-polar, at codon 1315 of the PTCH1 protein (p.Pro1315Val). Information on the frequency of this variant in the gnomAD database is not available, as this variant may be reported differently in the database. This variant has not been reported in the literature in individuals affected with PTCH1-related conditions. ClinVar contains an entry for this variant (Variation ID: 1365775). Experimental studies and prediction algorithms are not available or were not evaluated, and the functional significance of this variant is currently unknown. In summary, the available evidence is currently insufficient to determine the role of this variant in disease. Therefore, it has been classified as a Variant of Uncertain Significance.

NM_000264.5(PTCH1):c.3942_3944delinsAGT (p.Pro1315Val)

Gene: PTCH1 (patched 1; minus strand). Cytogenetic location: 9q22.32.
Variant type: Indel.
Coding change: c.3942_3944delinsAGT on transcript NM_000264.5 (MANE Select); coding-DNA positions 3942 to 3944, CCC replaced by AGT.
Protein change: p.Pro1315Val; replaces proline 1315 with valine.
Molecular consequence: missense variant. On other transcripts: non-coding transcript variant (1).
Genome position (GRCh38, 1-based): chr9:95,447,312-95,447,314, GGG replaced by ACT on the plus strand (CCC replaced by AGT on the coding strand, the reverse complement: PTCH1 is on the minus strand). VCF-style: chr9-95447312-GGG-ACT. GRCh37 (hg19) VCF-style: chr9-98209594-GGG-ACT.
Other names: c.3744_3746delinsAGT, p.Pro1249Val (NM_001083602.3); c.3939_3941delinsAGT, p.Pro1314Val (NM_001083603.3); c.3489_3491delinsAGT, p.Pro1164Val (NM_001083604.3, NM_001083605.3, NM_001083606.3 and 1 more transcripts); c.3786_3788delinsAGT, p.Pro1263Val (NM_001354918.2); short protein forms P1263V, P1315V, P1164V, P1249V, P1314V.
Identifiers: ClinVar variation 1365775 (VCV001365775.8), dbSNP rs2136581220, ClinGen allele CA2573144860.
Genomic context (GRCh38, chr9:95,447,312, plus strand): 5'-TTGCTAGGGCCAGAATGCCCTTCAGTAGAAATTTCAAAAGCGTCTCTGCGCGGTCTGTAG[GGG>ACT]GGTGGCCACAAGCCTTCTCTGGGGGGGTCCCTGCGGGGCTGCTGGCCTTGCCGTCCGGGA-3'
Protein context (NP_000255.2, residues 1305-1325): DPPREGLWPP[Pro1315Val]YRPRRDAFEI